The following is an entry in ClinVar:

NM_005236.3(ERCC4):c.2117T>C (p.Ile706Thr)

Gene: ERCC4 (ERCC excision repair 4, endonuclease catalytic subunit; plus strand). Cytogenetic location: 16p13.12.
Variant type: single nucleotide variant.
Coding change: c.2117T>C on transcript NM_005236.3 (MANE Select); coding-DNA position 2117, T replaced by C.
Protein change: p.Ile706Thr; replaces isoleucine 706 with threonine.
Molecular consequence: missense variant.
Genome position (GRCh38, 1-based): chr16:13,947,713, T>C. VCF-style: chr16-13947713-T-C. GRCh37 (hg19) VCF-style: chr16-14041570-T-C.
Other names: short protein forms I706T.
Identifiers: ClinVar variation 134142 (VCV000134142.39), dbSNP rs1800069, ClinGen allele CA158888.

ClinVar aggregate classification (germline): Conflicting classifications of pathogenicity. Review status: criteria provided, conflicting classifications (1 of 4 stars). 15 submissions from 14 submitters: Uncertain significance (5); Benign (3); Likely benign (4). 3 of the submissions do not count toward it. Last evaluated 2026-01-30.

Conditions:
ERCC4-related disorder. Also called: ERCC4-related condition.
Inborn genetic diseases. Identifiers: MedGen C0950123, MeSH D030342.
Fanconi anemia complementation group Q. Identifiers: Orphanet 84, MedGen C3808988, MONDO:0014108, OMIM 615272.
Xeroderma pigmentosum, group F (XPF). Also called: XERODERMA PIGMENTOSUM VI; XP, GROUP F; XERODERMA PIGMENTOSUM, TYPE F; Xeroderma pigmentosum, type 6; XERODERMA PIGMENTOSUM, COMPLEMENTATION GROUP F; ERCC4-Related Xeroderma Pigmentosum. Identifiers: MedGen C0268140, MONDO:0010215, OMIM 278760.
Cockayne syndrome. Identifiers: Orphanet 191, MedGen C0009207, MONDO:0016006.
Hereditary cancer-predisposing syndrome. Also called: Tumor predisposition; Hereditary neoplastic syndrome; Neoplastic Syndromes, Hereditary; Hereditary Cancer Syndrome. Identifiers: Orphanet 140162, MedGen C0027672, MeSH D009386, MONDO:0015356.
Xeroderma pigmentosum (XP). Identifiers: Orphanet 910, MedGen C0043346, MONDO:0019600.
XFE progeroid syndrome (XFEPS). Also called: XPF-ERCC1 PROGEROID SYNDROME. Identifiers: MedGen C1970416, MONDO:0012590, OMIM 610965.

Allele frequency attached by ClinVar (database versions not stated): ExAC 0.00140; gnomAD exomes 0.00147 and 0.00252; gnomAD 0.00176 and 0.00190; TOPMed 0.00178; ESP Exome Variant Server 0.00200.
gnomAD v4.1: 3,920 of 1,614,150 alleles (0.24%); highest among the groups gnomAD compares: Non-Finnish European, 0.31%; 8 homozygotes.

Submissions (15):

Labcorp Genetics (formerly Invitae), Labcorp
Classification: Benign for Fanconi anemia complementation group Q; Xeroderma pigmentosum, group F; Cockayne syndrome. Last evaluated: 2026-01-30. Review status: criteria provided, single submitter. Criteria: Invitae Variant Classification Sherloc (09022015). Collection method: clinical testing. Allele origin: germline.

Blueprint Genetics
Classification: Likely benign. Last evaluated: 2024-11-25. Review status: criteria provided, single submitter. Criteria: ACMG Guidelines, 2015. Collection method: clinical testing. Allele origin: germline.

Molecular Diagnostics Laboratory, Catalan Institute of Oncology
Classification: Benign for Hereditary cancer-predisposing syndrome. Last evaluated: 2024-10-17. Review status: criteria provided, single submitter. Criteria: ACMG Guidelines, 2015. Collection method: clinical testing. Allele origin: germline.
Comment: BA1 c.2117T>C, located in exon 11 of the ERCC4 gene, is predicted to result in the substitution of Isoleucine by Threonine at codon 706, p.(Ile706Thr). The variant allele was found in 283/118142 alleles (1 homozygote), with a filtering allele frequency of 0,22% at 95% confidence, within the NFE population in the gnomAD v2.1.1 database (non-cancer data set) (BA1). Additional information has not been evaluated for this variant. Based on the currently available information, c.2117T>C is classified as a benign variant according to ACMG guidelines.

St. Jude Molecular Pathology, St. Jude Children's Research Hospital
Classification: Likely benign for Fanconi anemia complementation group Q. Last evaluated: 2024-03-14. Review status: criteria provided, single submitter. Criteria: St. Jude Assertion Criteria 2020. Collection method: clinical testing. Allele origin: germline.
Comment: The ERCC4 c.2117T>C (p.Ile706Thr) missense change has a maximum subpopulation frequency of 0.31% in gnomAD v4.0.0 with 8 homozygotes. The in silico tool REVEL is inconclusive about a pathogenic or benign effect of this variant on protein function, and to our knowledge functional studies have not been performed. This variant has been reported in individuals with ataxia (PMID: 31692161), head and neck squamous cell carcinoma (PMID: 28678401), and pancreatic ductal adenocarcinoma (PMID: 28767289). To our knowledge, this variant has not been reported in individuals with Fanconi anemia or Xeroderma pigmentosum. In summary, this variant meets criteria to be classified as likely benign.

Women's Health and Genetics/Laboratory Corporation of America, LabCorp
Classification: Benign. Last evaluated: 2022-05-26. Review status: criteria provided, single submitter. Criteria: LabCorp Variant Classification Summary - May 2015. Collection method: clinical testing. Allele origin: germline.
Comment: Variant summary: ERCC4 c.2117T>C (p.Ile706Thr) results in a non-conservative amino acid change in the encoded protein sequence. Four of five in-silico tools predict a damaging effect of the variant on protein function. The variant allele was found at a frequency of 0.0015 in 251444 control chromosomes (gnomAD), predominantly at a frequency of 0.0025 within the Non-Finnish European subpopulation in the gnomAD database. The observed variant frequency within Non-Finnish European control individuals in the gnomAD database is approximately 13 fold of the estimated maximal expected allele frequency for a pathogenic variant in ERCC4 causing Xeroderma Pigmentosum phenotype (0.00019), strongly suggesting that the variant is a benign polymorphism found primarily in populations of Non-Finnish European origin. Six ClinVar submitters have assessed the variant since 2014: five classified the variant as of uncertain significance and one as benign. Based on the evidence outlined above, the variant was classified as benign.

Institute for Clinical Genetics, University Hospital TU Dresden, University Hospital TU Dresden
Classification: Uncertain significance. Last evaluated: 2021-11-03. Review status: criteria provided, single submitter. Criteria: ACMG Guidelines, 2015. Collection method: clinical testing. Allele origin: germline.

Ambry Genetics
Classification: Likely benign for Inborn genetic diseases. Last evaluated: 2021-10-16. Review status: criteria provided, single submitter. Criteria: Ambry Variant Classification Scheme 2023. Collection method: clinical testing. Allele origin: germline.

Baylor Genetics
Classification: Uncertain significance for Fanconi anemia complementation group Q. Last evaluated: 2021-03-03. Review status: criteria provided, single submitter. Criteria: ACMG Guidelines, 2015. Collection method: clinical testing. Allele origin: unknown. Affected: yes. Study: CSER-TexasKidsCanSeq.
Comment: This variant was determined to be of uncertain significance according to ACMG Guidelines, 2015 [PMID:25741868].

Sema4
Classification: Likely benign for Xeroderma pigmentosum. Last evaluated: 2020-11-29. Review status: criteria provided, single submitter. Criteria: Sema4 Curation Guidelines. Collection method: curation. Allele origin: germline.

Baylor Genetics
Classification: Uncertain significance for XFE progeroid syndrome. Last evaluated: 2019-05-09. Review status: criteria provided, single submitter. Criteria: ACMG Guidelines, 2015. Collection method: clinical testing. Allele origin: maternal. Affected: yes.
Comment: the same text as in the submission from Baylor Genetics above.

Illumina Laboratory Services, Illumina
Classification: Uncertain significance for Xeroderma pigmentosum, group F. Last evaluated: 2017-04-27. Review status: criteria provided, single submitter. Criteria: ICSL Variant Classification Criteria 13 December 2019. Collection method: clinical testing. Allele origin: germline.
Comment: This variant was observed as part of a predisposition screen in an ostensibly healthy population. A literature search was performed for the gene, cDNA change, and amino acid change (where applicable). Publications were found based on this search. However, the evidence from the literature, in combination with allele frequency data from public databases where available, was not sufficient to rule this variant in or out of causing disease. Therefore, this variant is classified as a variant of unknown significance.

Genetic Services Laboratory, University of Chicago
Classification: Uncertain significance. Last evaluated: 2016-12-05. Review status: criteria provided, single submitter. Criteria: ACMG Guidelines, 2015. Collection method: clinical testing. Allele origin: germline. Affected: no.

PreventionGenetics, part of Exact Sciences
Classification: Likely benign for ERCC4-related condition. Last evaluated: 2022-02-10. Review status: no assertion criteria provided. Collection method: clinical testing. Allele origin: germline. Not counted in ClinVar's aggregate classification.
Comment: This variant is classified as likely benign based on ACMG/AMP sequence variant interpretation guidelines (Richards et al. 2015 PMID: 25741868, with internal and published modifications).

ITMI
No classification provided. Condition: AllHighlyPenetrant. Last evaluated: 2013-09-19. Review status: no classification provided. Collection method: reference population. Allele origin: germline. Not counted in ClinVar's aggregate classification.
Comment: Please see associated publication for description of ethnicities

Department of Pathology and Laboratory Medicine, Sinai Health System
Classification: Uncertain significance. Review status: no assertion criteria provided. Collection method: clinical testing. Allele origin: unknown. Affected: yes. Study: The Canadian Open Genetics Repository (COGR). Not counted in ClinVar's aggregate classification.
Comment: The ERCC4 p.Ile706Thr variant was not identified in the literature nor was it identified in Cosmic. The variant was identified in dbSNP (ID: rs1800069), LOVD 3.0 and ClinVar (classified as uncertain significance by Genetic Services Laboratory, University of Chicage, and as likely benign by Invitae). The variant was identified in control databases in 366 of 268308 chromosomes (1 homozygous) at a frequency of 0.001364 increasing the likelihood this could be a low frequency benign variant (Genome Aggregation Database March 6, 2019, v2.1.1). The variant was observed in the following populations: European (non-Finnish) in 283 of 118142 chromosomes (freq: 0.002395), Other in 12 of 6702 chromosomes (freq: 0.001791), Latino in 50 of 35108 chromosomes (freq: 0.001424), European (Finnish) in 11 of 25108 chromosomes (freq: 0.000438), African in 9 of 23614 chromosomes (freq: 0.000381) and Ashkenazi Jewish in 1 of 9858 chromosomes (freq: 0.000101), but was not observed in the East Asian or South Asian populations. The p.Ile706 residue is conserved in mammals but not in more distantly related organisms and computational analyses (PolyPhen-2, SIFT, AlignGVGD, BLOSUM, MutationTaster) suggest that the variant may impact the protein; however, this information is not predictive enough to assume pathogenicity. The variant occurs outside of the splicing consensus sequence and in silico or computational prediction software programs (SpliceSiteFinder, MaxEntScan, NNSPLICE, GeneSplicer) do not predict a difference in splicing. In summary, based on the above information the clinical significance of this variant cannot be determined with certainty at this time. This variant is classified as a variant of uncertain significance.

Literature cited by the submitters: PubMed 28678401 (cited by Sema4); PubMed 28767289 (cited by Sema4); PubMed 31692161 (cited by Sema4); PubMed 32008151 (cited by Sema4); PubMed 32659497 (cited by Sema4); PubMed 32756499 (cited by Sema4); PubMed 15886521 (cited by Illumina Laboratory Services, Illumina); PubMed 24728327 (cited by ITMI).